The following is an entry in ClinVar:

NM_002291.3(LAMB1):c.1946A>G (p.Asp649Gly)

Gene: LAMB1 (laminin subunit beta 1; minus strand). Cytogenetic location: 7q31.1.
Variant type: single nucleotide variant.
Coding change: c.1946A>G on transcript NM_002291.3 (MANE Select); coding-DNA position 1946, A replaced by G.
Protein change: p.Asp649Gly; replaces aspartic acid 649 with glycine.
Molecular consequence: missense variant.
Genome position (GRCh38, 1-based): chr7:107,961,588, T>C on the plus strand (A>G on the coding strand, the complement: LAMB1 is on the minus strand). VCF-style: chr7-107961588-T-C. GRCh37 (hg19) VCF-style: chr7-107602033-T-C.
Other names: short protein forms D649G.
Identifiers: ClinVar variation 1714440 (VCV001714440.3), dbSNP rs2535455302, ClinGen allele CA368869907.

ClinVar aggregate classification (germline): Uncertain significance (1 of 4 stars; one submission).

Submission:

Labcorp Genetics (formerly Invitae), Labcorp
Classification: Uncertain significance. Last evaluated: 2022-07-23. Review status: criteria provided, single submitter. Criteria: Invitae Variant Classification Sherloc (09022015). Collection method: clinical testing. Allele origin: germline.
Comment: This sequence change replaces aspartic acid, which is acidic and polar, with glycine, which is neutral and non-polar, at codon 649 of the LAMB1 protein (p.Asp649Gly). This variant is not present in population databases (gnomAD no frequency). This variant has not been reported in the literature in individuals affected with LAMB1-related conditions. Algorithms developed to predict the effect of missense changes on protein structure and function are either unavailable or do not agree on the potential impact of this missense change (SIFT: "Deleterious"; PolyPhen-2: "Benign"; Align-GVGD: "Class C65"). In summary, the available evidence is currently insufficient to determine the role of this variant in disease. Therefore, it has been classified as a Variant of Uncertain Significance.